The following is an entry in ClinVar:

NM_012433.4(SF3B1):c.415+2T>G

Gene: SF3B1 (splicing factor 3b subunit 1; minus strand). Cytogenetic location: 2q33.1.
Variant type: single nucleotide variant.
Coding change: c.415+2T>G on transcript NM_012433.4 (MANE Select); the canonical splice donor site of the intron after coding-DNA position 415, T replaced by G.
Molecular consequence: splice donor variant. On other transcripts: synonymous variant (1).
Genome position (GRCh38, 1-based): chr2:197,420,426, A>C on the plus strand (T>G on the coding strand, the complement: SF3B1 is on the minus strand). VCF-style: chr2-197420426-A-C. GRCh37 (hg19) VCF-style: chr2-198285150-A-C.
Other names: c.417T>G, p.Gly139= (NM_001308824.1); c.415+2T>G (NM_001005526.2).
Identifiers: ClinVar variation 982300 (VCV000982300.1), dbSNP rs2085221774, ClinGen allele CA350205991.
Genomic context (GRCh38, chr2:197,420,426, plus strand): 5'-GCTAAAGACAACTTAATACAAATAAATTTCTGAATACTTATAGAAAAGTGGGAAAGAATT[A>C]CCATCTGCAAAAGGATCAAGACGCTCTGGGGAAATTATCATGGTCCGCCTATGCTTTTTG-3'

ClinVar aggregate classification (germline): Uncertain significance (1 of 4 stars; one submission).

Submission:

HudsonAlpha Institute for Biotechnology
Classification: Uncertain significance. Last evaluated: 2020-03-19. Review status: criteria provided, single submitter. Criteria: ACMG Guidelines, 2015. Collection method: research. Allele origin: de novo. Observed: 1 variant allele. Study: CSER-HudsonAlpha.
Comment: ACMG codes:PM2